The following is an entry in ClinVar:

NM_001170629.2(CHD8):c.6806_6808del (p.Lys2269_Leu2270delinsMet)

Genes: CHD8 (chromodomain helicase DNA binding protein 8; minus strand), LOC126861888 (CDK7 strongly-dependent group 2 enhancer GRCh37_chr14:21859227-21860426; plus strand). Cytogenetic location: 14q11.2.
Variant type: Deletion.
Coding change: c.6806_6808del on transcript NM_001170629.2 (MANE Select); coding-DNA positions 6806 to 6808, 3 bases deleted (AGT; older notation c.6806_6808delAGT).
Protein change: p.Lys2269_Leu2270delinsMet.
Molecular consequence: inframe indel.
Genome position (GRCh38, 1-based): chr14:21,391,910-21,391,912, ACT deleted on the plus strand (AGT on the coding strand, the reverse complement: CHD8 is on the minus strand). VCF-style (leftmost placement, unchanged base first): chr14-21391909-AACT-A. GRCh37 (hg19) VCF-style: chr14-21860068-AACT-A.
Other names: c.5969_5971del, p.Lys1990_Leu1991delinsMet (NM_020920.4).
Identifiers: ClinVar variation 2007047 (VCV002007047.4), dbSNP rs2501845806, ClinGen allele CA2580087836.

ClinVar aggregate classification (germline): Uncertain significance (1 of 4 stars; one submission).

Submission:

Labcorp Genetics (formerly Invitae), Labcorp
Classification: Uncertain significance. Last evaluated: 2022-11-01. Review status: criteria provided, single submitter. Criteria: Invitae Variant Classification Sherloc (09022015). Collection method: clinical testing. Allele origin: germline.
Comment: In summary, the available evidence is currently insufficient to determine the role of this variant in disease. Therefore, it has been classified as a Variant of Uncertain Significance. Experimental studies and prediction algorithms are not available or were not evaluated, and the functional significance of this variant is currently unknown. This variant has not been reported in the literature in individuals affected with CHD8-related conditions. This variant is not present in population databases (gnomAD no frequency). This variant, c.6806_6808del, is a complex sequence change that results in the deletion of 2 and insertion of 1 amino acid(s) in the CHD8 protein (p.Lys2269_Leu2270delinsMet).